The following is an entry in ClinVar:

NM_004333.6(BRAF):c.811C>T (p.Arg271Cys)

Gene: BRAF (B-Raf proto-oncogene, serine/threonine kinase; minus strand). Cytogenetic location: 7q34.
Variant type: single nucleotide variant.
Coding change: c.811C>T on transcript NM_004333.6 (MANE Select); coding-DNA position 811, C replaced by T.
Protein change: p.Arg271Cys; replaces arginine 271 with cysteine.
Molecular consequence: missense variant.
Genome position (GRCh38, 1-based): chr7:140,801,461, G>A on the plus strand (C>T on the coding strand, the complement: BRAF is on the minus strand). VCF-style: chr7-140801461-G-A. GRCh37 (hg19) VCF-style: chr7-140501261-G-A.
Other names: c.811C>T, p.Arg271Cys (NM_001354609.2, NM_001374244.1, NM_001374258.1 and 4 more transcripts); c.820C>T, p.Arg274Cys (NM_001378467.1); c.709C>T, p.Arg237Cys (NM_001378470.1); c.655C>T, p.Arg219Cys (NM_001378472.1, NM_001378473.1); c.547C>T, p.Arg183Cys (NM_001378475.1); short protein forms R183C, R237C, R219C, R271C, R274C.
Identifiers: ClinVar variation 2897914 (VCV002897914.3), dbSNP rs1803103932, ClinGen allele CA369590683.

ClinVar aggregate classification (germline): Uncertain significance (1 of 4 stars; one submission).

Conditions:
RASopathy. Also called: Noonan spectrum disorder; rasopathies. Identifiers: Orphanet 536391, MedGen C5555857, MONDO:0021060.

Allele frequency attached by ClinVar (database versions not stated): TOPMed below 0.00001.

Submission:

Labcorp Genetics (formerly Invitae), Labcorp
Classification: Uncertain significance for RASopathy. Last evaluated: 2023-11-29. Review status: criteria provided, single submitter. Criteria: Invitae Variant Classification Sherloc (09022015). Collection method: clinical testing. Allele origin: germline.
Comment: This sequence change replaces arginine, which is basic and polar, with cysteine, which is neutral and slightly polar, at codon 271 of the BRAF protein (p.Arg271Cys). This variant is not present in population databases (gnomAD no frequency). This variant has not been reported in the literature in individuals affected with BRAF-related conditions. Advanced modeling of protein sequence and biophysical properties (such as structural, functional, and spatial information, amino acid conservation, physicochemical variation, residue mobility, and thermodynamic stability) performed at Invitae indicates that this missense variant is not expected to disrupt BRAF protein function with a negative predictive value of 80%. In summary, the available evidence is currently insufficient to determine the role of this variant in disease. Therefore, it has been classified as a Variant of Uncertain Significance.